The following is an entry in ClinVar:

ClinVar aggregate classification (germline): Uncertain significance. Review status: criteria provided, multiple submitters, no conflicts (2 of 4 stars). 2 submissions from 2 submitters: Uncertain significance (2). Last evaluated 2025-08-25.

Conditions:
Epileptic encephalopathy. Identifiers: MedGen C0543888, HP:0200134.
Inborn genetic diseases. Identifiers: MedGen C0950123, MeSH D030342.

Allele frequency attached by ClinVar (database versions not stated): ExAC 0.00001; gnomAD exomes 0.00002 and 0.00003; gnomAD 0.00003; TOPMed 0.00003; 1000 Genomes Project 30x 0.00016; 1000 Genomes Project 0.00020.
gnomAD v4.1: 36 of 1,612,486 alleles (0.0022%); highest among the groups gnomAD compares: Admixed American, 0.0083%; no homozygotes.

Submissions (2):

Labcorp Genetics (formerly Invitae), Labcorp
Classification: Uncertain significance for Epileptic encephalopathy. Last evaluated: 2025-08-25. Review status: criteria provided, single submitter. Criteria: Invitae Variant Classification Sherloc (09022015). Collection method: clinical testing. Allele origin: germline.
Comment: This sequence change replaces arginine, which is basic and polar, with glutamine, which is neutral and polar, at codon 637 of the GABBR2 protein (p.Arg637Gln). This variant is present in population databases (rs78208670, gnomAD 0.01%). This variant has not been reported in the literature in individuals affected with GABBR2-related conditions. ClinVar contains an entry for this variant (Variation ID: 1400063). Invitae Evidence Modeling of protein sequence and biophysical properties (such as structural, functional, and spatial information, amino acid conservation, physicochemical variation, residue mobility, and thermodynamic stability) indicates that this missense variant is not expected to disrupt GABBR2 protein function with a negative predictive value of 80%. In summary, the available evidence is currently insufficient to determine the role of this variant in disease. Therefore, it has been classified as a Variant of Uncertain Significance.

Ambry Genetics
Classification: Uncertain significance for Inborn genetic diseases. Last evaluated: 2022-07-11. Review status: criteria provided, single submitter. Criteria: Ambry Variant Classification Scheme 2023. Collection method: clinical testing. Allele origin: germline.

NM_005458.8(GABBR2):c.1910G>A (p.Arg637Gln)

Gene: GABBR2 (gamma-aminobutyric acid type B receptor subunit 2; minus strand). Cytogenetic location: 9q22.33.
Variant type: single nucleotide variant.
Coding change: c.1910G>A on transcript NM_005458.8 (MANE Select); coding-DNA position 1910, G replaced by A.
Protein change: p.Arg637Gln; replaces arginine 637 with glutamine.
Molecular consequence: missense variant.
Genome position (GRCh38, 1-based): chr9:98,311,189, C>T on the plus strand (G>A on the coding strand, the complement: GABBR2 is on the minus strand). VCF-style: chr9-98311189-C-T. GRCh37 (hg19) VCF-style: chr9-101073471-C-T.
Other names: c.1910G>A (NM_005458.7); short protein forms R637Q.
Identifiers: ClinVar variation 1400063 (VCV001400063.9), dbSNP rs78208670, ClinGen allele CA5152571.